The following is an entry in ClinVar:

NM_001382391.1(CSPP1):c.635T>G (p.Leu212Arg)

Gene: CSPP1 (centrosome and spindle pole associated protein 1; plus strand). Cytogenetic location: 8q13.1.
Variant type: single nucleotide variant.
Coding change: c.635T>G on transcript NM_001382391.1 (MANE Select); coding-DNA position 635, T replaced by G.
Protein change: p.Leu212Arg; replaces leucine 212 with arginine.
Molecular consequence: missense variant. On other transcripts: 5 prime UTR variant (1).
Genome position (GRCh38, 1-based): chr8:67,095,444, T>G. VCF-style: chr8-67095444-T-G. GRCh37 (hg19) VCF-style: chr8-68007679-T-G.
Other names: c.-221T>G (NM_001291339.2); c.554T>G, p.Leu185Arg (NM_001363131.2, NM_001363133.2); c.635T>G, p.Leu212Arg (NM_001363132.2); c.743T>G, p.Leu248Arg (NM_001364869.1); c.662T>G, p.Leu221Arg (NM_001364870.1, NM_024790.7); short protein forms L212R, L248R, L185R, L221R.
Identifiers: ClinVar variation 1953977 (VCV001953977.5), dbSNP rs1276550458, ClinGen allele CA371190698.
Genomic context (GRCh38, chr8:67,095,444, plus strand): 5'-CTAGAAAAGATGTCTTAACTCCTTCAGAGGCATATGAAGAACTTCTGAACCAAAGACGAC[T>G]AGAGGAGGACAGATACCGACAACTAGATGATGAAATCGAATTAAGGAATAGAAGAATTAT-3'
Protein context (NP_001369320.1, residues 202-222): AYEELLNQRR[Leu212Arg]EEDRYRQLDD

ClinVar aggregate classification (germline): Uncertain significance (1 of 4 stars; one submission).

Conditions:
Joubert syndrome 21 (JBTS21). Identifiers: MedGen C3810212, MONDO:0014288, OMIM 615636.

gnomAD v4.1: 1 of 1,613,272 alleles (0.000062%); highest among the groups gnomAD compares: Admixed American, 0.0017%; no homozygotes.

Submission:

Labcorp Genetics (formerly Invitae), Labcorp
Classification: Uncertain significance for Joubert syndrome 21. Last evaluated: 2022-03-28. Review status: criteria provided, single submitter. Criteria: Invitae Variant Classification Sherloc (09022015). Collection method: clinical testing. Allele origin: germline.
Comment: In summary, the available evidence is currently insufficient to determine the role of this variant in disease. Therefore, it has been classified as a Variant of Uncertain Significance. Algorithms developed to predict the effect of missense changes on protein structure and function output the following: SIFT: "Tolerated"; PolyPhen-2: "Benign"; Align-GVGD: "Class C0". The arginine amino acid residue is found in multiple mammalian species, which suggests that this missense change does not adversely affect protein function. This variant has not been reported in the literature in individuals affected with CSPP1-related conditions. This variant is present in population databases (no rsID available, gnomAD 0.003%). This sequence change replaces leucine, which is neutral and non-polar, with arginine, which is basic and polar, at codon 221 of the CSPP1 protein (p.Leu221Arg).